The following is an entry in ClinVar:

NM_024417.5(FDXR):c.325G>A (p.Gly109Ser)

Gene: FDXR (ferredoxin reductase; minus strand). Cytogenetic location: 17q25.1.
Variant type: single nucleotide variant.
Coding change: c.325G>A on transcript NM_024417.5 (MANE Select); coding-DNA position 325, G replaced by A.
Protein change: p.Gly109Ser; replaces glycine 109 with serine.
Molecular consequence: missense variant. On other transcripts: non-coding transcript variant (1), intron variant (1).
Genome position (GRCh38, 1-based): chr17:74,866,514, C>T on the plus strand (G>A on the coding strand, the complement: FDXR is on the minus strand). VCF-style: chr17-74866514-C-T. GRCh37 (hg19) VCF-style: chr17-72862636-C-T.
Other names: c.454G>A, p.Gly152Ser (NM_001258012.4); c.418G>A, p.Gly140Ser (NM_001258013.4); c.301G>A, p.Gly101Ser (NM_001258014.4); c.169G>A, p.Gly57Ser (NM_001258016.3); c.325G>A, p.Gly109Ser (NM_004110.6); c.273+270G>A (NM_001258015.3); short protein forms G101S, G109S, G140S, G152S, G57S.
Identifiers: ClinVar variation 444416 (VCV000444416.44), dbSNP rs770691402, ClinGen allele CA8753257.
Genomic context (GRCh38, chr17:74,866,514, plus strand): 5'-CAGCGTGGTAGGCCTCCTGCAGCTCCGGCACCGTCACGTCCCTGCCCACCTCCACGTTGC[C>T]CCAGAAGGCACAGCGGCCAGAATGGGCCGTCTGGGTAAATGTGTTGATGACATTCTGCCA-3'
Protein context (NP_077728.3, residues 99-119): TAHSGRCAFW[Gly109Ser]NVEVGRDVTV

ClinVar aggregate classification (germline): Conflicting classifications of pathogenicity. Review status: criteria provided, conflicting classifications (1 of 4 stars). 2 submissions from 2 submitters: Likely pathogenic (1); Uncertain significance (1). Last evaluated 2025-10-01.

Conditions:
Auditory neuropathy-optic atrophy syndrome. Also called: AUDITORY NEUROPATHY AND OPTIC ATROPHY; MULTIPLE MITOCHONDRIAL DYSFUNCTIONS SYNDROME 9A. Identifiers: Orphanet 542585, MedGen C4521678, MONDO:0060582, OMIM 617717.

Allele frequency attached by ClinVar (database versions not stated): gnomAD exomes below 0.00001; ExAC 0.00001.
gnomAD v4.1: 1 of 1,613,822 alleles (0.000062%); highest among the groups gnomAD compares: Non-Finnish European, 0.000085%; no homozygotes.

Submissions (2):

CeGaT Center for Human Genetics Tuebingen
Classification: Uncertain significance. Last evaluated: 2025-10-01. Review status: criteria provided, single submitter. Criteria: CeGaT Center For Human Genetics Tuebingen Variant Classification Criteria Version 2. Collection method: clinical testing. Allele origin: germline. Affected: yes. Observed: 2 variant alleles.
Comment: FDXR: PM2, PM3:Supporting

Institute of Medical Genetics and Applied Genomics, University Hospital Tübingen
Classification: Likely pathogenic for Auditory neuropathy-optic atrophy syndrome. Last evaluated: 2024-11-07. Review status: criteria provided, single submitter. Criteria: ACMG Guidelines, 2015. Collection method: clinical testing. Allele origin: germline. Inheritance: Autosomal recessive inheritance. Affected: yes.